The following is an entry in ClinVar:

ClinVar aggregate classification (germline): Uncertain significance (1 of 4 stars; one submission).

Submission:

GeneDx
Classification: Uncertain significance. Last evaluated: 2025-06-21. Review status: criteria provided, single submitter. Criteria: GeneDx Variant Classification Process June 2021. Collection method: clinical testing. Allele origin: germline. Affected: yes.
Comment: Not observed at significant frequency in large population cohorts (gnomAD); Nonsense variant predicted to result in protein truncation or nonsense mediated decay in a gene or region of a gene for which loss of function is not a well-established mechanism of disease; Has not been previously published as pathogenic or benign to our knowledge

NM_014846.4(WASHC5):c.1844dup (p.Tyr615Ter)

Gene: WASHC5 (WASH complex subunit 5; minus strand). Cytogenetic location: 8q24.13.
Variant type: Duplication.
Coding change: c.1844dup on transcript NM_014846.4 (MANE Select); coding-DNA position 1844, one base duplicated (A; older notation c.1844dupA).
Protein change: p.Tyr615Ter; replaces tyrosine 615 with a stop codon.
Molecular consequence: nonsense.
Genome position (GRCh38, 1-based): chr8:125,057,587, T duplicated on the plus strand (A on the coding strand, the reverse complement: WASHC5 is on the minus strand). VCF-style (leftmost placement, unchanged base first): chr8-125057586-A-AT. GRCh37 (hg19) VCF-style: chr8-126069828-A-AT.
Other names: c.1400dup, p.Tyr467Ter (NM_001330609.2); short protein forms Y467*, Y615*.
Identifiers: ClinVar variation 4538976 (VCV004538976.1).